The following is an entry in ClinVar:

ClinVar aggregate classification (germline): Benign. Review status: criteria provided, multiple submitters, no conflicts (2 of 4 stars). 5 submissions from 4 submitters: Benign (5). Last evaluated 2026-02-02.

Conditions:
Oguchi disease. Also called: Oguchi's disease. Identifiers: Orphanet 75382, MedGen C1306122, MONDO:0019152.
Retinitis pigmentosa (RP). Identifiers: Orphanet 791, MedGen C0035334, MeSH D012174, MONDO:0019200, OMIM 268000. Inheritance: Autosomal dominant, autosomal recessive and X linked inheritance.

Allele frequency attached by ClinVar (database versions not stated): 1000 Genomes Project 0.02875; ESP Exome Variant Server 0.02928; 1000 Genomes Project 30x 0.03092; gnomAD 0.03222; TOPMed 0.03810.
gnomAD v4.1: 9,892 of 1,606,608 alleles (0.62%); highest among the groups gnomAD compares: African/African-American, 12%; 571 homozygotes.

Submissions (5):

Labcorp Genetics (formerly Invitae), Labcorp
Classification: Benign. Last evaluated: 2026-02-02. Review status: criteria provided, single submitter. Criteria: Invitae Variant Classification Sherloc (09022015). Collection method: clinical testing. Allele origin: germline.

GeneDx
Classification: Benign. Last evaluated: 2019-01-13. Review status: criteria provided, single submitter. Criteria: GeneDx Variant Classification Process June 2021. Collection method: clinical testing. Allele origin: germline. Affected: yes.

Illumina Laboratory Services, Illumina
Classification: Benign for Retinitis pigmentosa. Last evaluated: 2018-01-12. Review status: criteria provided, single submitter. Criteria: ICSL Variant Classification Criteria 13 December 2019. Collection method: clinical testing. Allele origin: germline.
Comment: This variant was observed in the ICSL laboratory as part of a predisposition screen in an ostensibly healthy population. It had not been previously curated by ICSL or reported in the Human Gene Mutation Database (HGMD: prior to June 1st, 2018), and was therefore a candidate for classification through an automated scoring system. Utilizing variant allele frequency, disease prevalence and penetrance estimates, and inheritance mode, an automated score was calculated to assess if this variant is too frequent to cause the disease. Based on the score and internal cut-off values, a variant classified as benign is not then subjected to further curation. The score for this variant resulted in a classification of benign for this disease.

Illumina Laboratory Services, Illumina
Classification: Benign for Oguchi disease-1. Last evaluated: 2018-01-12. Review status: criteria provided, single submitter. Criteria: ICSL Variant Classification Criteria 13 December 2019. Collection method: clinical testing. Allele origin: germline.
Comment: the same text as in the submission from Illumina Laboratory Services, Illumina above.

Breakthrough Genomics
Classification: Benign. Review status: criteria provided, single submitter. Criteria: ACMG Guidelines, 2015. Collection method: not provided. Allele origin: germline. Inheritance: Autosomal recessive inheritance. Affected: yes.

NM_000541.5(SAG):c.321G>C (p.Leu107=)

Gene: SAG (S-antigen visual arrestin; plus strand). Cytogenetic location: 2q37.1.
Variant type: single nucleotide variant.
Coding change: c.321G>C on transcript NM_000541.5 (MANE Select); coding-DNA position 321, G replaced by C.
Protein change: p.Leu107=; no amino-acid change (leucine 107 retained).
Molecular consequence: synonymous variant.
Genome position (GRCh38, 1-based): chr2:233,320,769, G>C. VCF-style: chr2-233320769-G-C. GRCh37 (hg19) VCF-style: chr2-234229415-G-C.
Identifiers: ClinVar variation 335068 (VCV000335068.16), dbSNP rs59676190, ClinGen allele CA2174332.
Genomic context (GRCh38, chr2:233,320,769, plus strand): 5'-GTACTTCTCCCGGGTCCAGGTGTATCCTCCTGTGGGGGCCGCGAGCACCCCCACAAAACT[G>C]CAAGAGAGCCTGCTTAAAAAGCTGGGGAGCAACACGTACCCCTTTCTCCTGACGGTGGGT-3'
Protein context (NP_000532.2, residues 97-117): PVGAASTPTK[Leu107=]QESLLKKLGS